The following is an entry in ClinVar:

NM_003743.5(NCOA1):c.983A>G (p.Tyr328Cys)

Gene: NCOA1 (nuclear receptor coactivator 1; plus strand). Cytogenetic location: 2p23.3.
Variant type: single nucleotide variant.
Coding change: c.983A>G on transcript NM_003743.5 (MANE Select); coding-DNA position 983, A replaced by G.
Protein change: p.Tyr328Cys; replaces tyrosine 328 with cysteine.
Molecular consequence: missense variant.
Genome position (GRCh38, 1-based): chr2:24,705,119, A>G. VCF-style: chr2-24705119-A-G. GRCh37 (hg19) VCF-style: chr2-24927988-A-G.
Other names: c.983A>G, p.Tyr328Cys (NM_001362950.1, NM_001362952.1, NM_001362954.1 and 3 more transcripts); short protein forms Y328C.
Identifiers: ClinVar variation 4982776 (VCV004982776.1).

ClinVar aggregate classification (germline): Uncertain significance (1 of 4 stars; one submission).

Conditions:
NCOA1-related disorder. Also called: NCOA1-related condition.

gnomAD v4.1: 1 of 1,613,986 alleles (0.000062%); no homozygotes.

Submission:

PreventionGenetics, part of Exact Sciences
Classification: Uncertain significance for NCOA1-related condition. Last evaluated: 2025-03-19. Review status: criteria provided, single submitter. Criteria: ACMG Guidelines, 2015. Collection method: clinical testing. Allele origin: germline.
Comment: The NCOA1 c.983A>G variant is predicted to result in the amino acid substitution p.Tyr328Cys. To our knowledge, this variant has not been reported in the literature or in a large population database (gnomAD), indicating this variant is rare. At this time, the clinical significance of this variant is uncertain due to the absence of conclusive functional and genetic evidence.